The following is an entry in ClinVar:

NM_033225.6(CSMD1):c.7491C>T (p.Ile2497=)

Gene: CSMD1 (CUB and Sushi multiple domains 1; minus strand). Cytogenetic location: 8p23.2.
Variant type: single nucleotide variant.
Coding change: c.7491C>T on transcript NM_033225.6 (MANE Select); coding-DNA position 7491, C replaced by T.
Protein change: p.Ile2497=; no amino-acid change (isoleucine 2497 retained).
Molecular consequence: synonymous variant.
Genome position (GRCh38, 1-based): chr8:3,052,631, G>A on the plus strand (C>T on the coding strand, the complement: CSMD1 is on the minus strand). VCF-style: chr8-3052631-G-A. GRCh37 (hg19) VCF-style: chr8-2910153-G-A.
Identifiers: ClinVar variation 2658327 (VCV002658327.24), dbSNP rs376569599, ClinGen allele CA4605955.

ClinVar aggregate classification (germline): Likely benign (1 of 4 stars; one submission).

Allele frequency attached by ClinVar (database versions not stated): TOPMed 0.00003; gnomAD exomes 0.00004; ExAC 0.00005; gnomAD 0.00005; ESP Exome Variant Server 0.00017.
gnomAD v4.1: 58 of 1,609,272 alleles (0.0036%); highest among the groups gnomAD compares: Non-Finnish European, 0.0048%; no homozygotes.

Submission:

CeGaT Center for Human Genetics Tuebingen
Classification: Likely benign. Last evaluated: 2022-06-01. Review status: criteria provided, single submitter. Criteria: CeGaT Center For Human Genetics Tuebingen Variant Classification Criteria Version 2. Collection method: clinical testing. Allele origin: germline. Affected: yes. Observed: 1 variant allele.
Comment: CSMD1: BP4, BP7